The following is an entry in ClinVar:

ClinVar aggregate classification (germline): Uncertain significance (1 of 4 stars; one submission).

Submission:

Labcorp Genetics (formerly Invitae), Labcorp
Classification: Uncertain significance. Last evaluated: 2024-10-08. Review status: criteria provided, single submitter. Criteria: Invitae Variant Classification Sherloc (09022015). Collection method: clinical testing. Allele origin: germline.
Comment: This sequence change falls in intron 27 of the INPPL1 gene. It does not directly change the encoded amino acid sequence of the INPPL1 protein. This variant is present in population databases (rs758159955, gnomAD 0.002%). This variant has not been reported in the literature in individuals affected with INPPL1-related conditions. Algorithms developed to predict the effect of sequence changes on RNA splicing suggest that this variant may disrupt the consensus splice site. In summary, the available evidence is currently insufficient to determine the role of this variant in disease. Therefore, it has been classified as a Variant of Uncertain Significance.

NM_001567.4(INPPL1):c.3687-3_3687-2del

Gene: INPPL1 (inositol polyphosphate phosphatase like 1; plus strand). Cytogenetic location: 11q13.4.
Variant type: Microsatellite.
Coding change: c.3687-3_3687-2del on transcript NM_001567.4 (MANE Select); 3 bases into the intron before coding-DNA position 3687 through the canonical splice acceptor site of the intron before coding-DNA position 3687, 2 bases deleted (CA; older notation c.3687-3_3687-2delCA).
Molecular consequence: splice acceptor variant.
Genome position (GRCh38, 1-based): chr11:72,238,260-72,238,261, CA deleted; deleting any 2 consecutive bases within chr11:72,238,258-72,238,261 gives the same sequence; the c. name uses the placement nearest the transcript's 3' end. VCF-style (leftmost placement, unchanged base first): chr11-72238257-CCA-C. GRCh37 (hg19) VCF-style: chr11-71949301-CCA-C.
Identifiers: ClinVar variation 1920787 (VCV001920787.5), dbSNP rs758159955, ClinGen allele CA6170754.